The following is an entry in ClinVar:

NM_001127208.3(TET2):c.1421C>A (p.Pro474Gln)

Genes: TET2 (tet methylcytosine dioxygenase 2; plus strand), TET2-AS1 (TET2 antisense RNA 1; minus strand). Cytogenetic location: 4q24.
Variant type: single nucleotide variant.
Coding change: c.1421C>A on transcript NM_001127208.3 (MANE Select); coding-DNA position 1421, C replaced by A.
Protein change: p.Pro474Gln; replaces proline 474 with glutamine.
Molecular consequence: missense variant.
Genome position (GRCh38, 1-based): chr4:105,235,363, C>A. VCF-style: chr4-105235363-C-A. GRCh37 (hg19) VCF-style: chr4-106156520-C-A.
Other names: c.1421C>A, p.Pro474Gln (NM_017628.4); short protein forms P474Q.
Identifiers: ClinVar variation 4865518 (VCV004865518.1).

ClinVar aggregate classification (germline): Uncertain significance (1 of 4 stars; one submission).

Submission:

Ambry Genetics
Classification: Uncertain significance. Last evaluated: 2026-04-02. Review status: criteria provided, single submitter. Criteria: Ambry Variant Classification Scheme 2023. Collection method: clinical testing. Allele origin: germline.
Comment: The p.P474Q variant (also known as c.1421C>A), located in coding exon 1 of the TET2 gene, results from a C to A substitution at nucleotide position 1421. The proline at codon 474 is replaced by glutamine, an amino acid with similar properties. This amino acid position is conserved. In addition, this alteration is predicted to be tolerated by in silico analysis. Based on the available evidence, the clinical significance of this variant remains unclear.